The following is an entry in ClinVar:

ClinVar aggregate classification (germline): Conflicting classifications of pathogenicity. Review status: criteria provided, conflicting classifications (1 of 4 stars). 2 submissions from 2 submitters: Likely pathogenic (1); Uncertain significance (1). Last evaluated 2025-03-03.

Conditions:
Chuvash polycythemia. Also called: POLYCYTHEMIA, VHL-DEPENDENT. Identifiers: Orphanet 238557, MedGen C1837915, MONDO:0009892, OMIM 263400.
Von Hippel-Lindau syndrome (VHLS). Also called: Von Hippel-Lindau; von Hippel–Lindau syndrome; VHL syndrome. Identifiers: Orphanet 892, MedGen C0019562, MONDO:0008667, OMIM 193300. Disease mechanism: loss of function.

Submissions (2):

Labcorp Genetics (formerly Invitae), Labcorp
Classification: Likely pathogenic for Von Hippel-Lindau syndrome; Chuvash polycythemia. Last evaluated: 2025-03-03. Review status: criteria provided, single submitter. Criteria: Invitae Variant Classification Sherloc (09022015). Collection method: clinical testing. Allele origin: germline.
Comment: This sequence change replaces tryptophan, which is neutral and slightly polar, with glycine, which is neutral and non-polar, at codon 88 of the VHL protein (p.Trp88Gly). This variant is not present in population databases (gnomAD no frequency). This variant has not been reported in the literature in individuals affected with VHL-related conditions. Invitae Evidence Modeling of protein sequence and biophysical properties (such as structural, functional, and spatial information, amino acid conservation, physicochemical variation, residue mobility, and thermodynamic stability) indicates that this missense variant is expected to disrupt VHL protein function with a positive predictive value of 95%. This variant disrupts the p.Trp88 amino acid residue in VHL. Other variant(s) that disrupt this residue have been determined to be pathogenic (PMID: 10567493; internal data). This suggests that this residue is clinically significant, and that variants that disrupt this residue are likely to be disease-causing. In summary, the currently available evidence indicates that the variant is pathogenic, but additional data are needed to prove that conclusively. Therefore, this variant has been classified as Likely Pathogenic.

GeneDx
Classification: Uncertain significance. Last evaluated: 2024-07-23. Review status: criteria provided, single submitter. Criteria: GeneDx Variant Classification Process June 2021. Collection method: clinical testing. Allele origin: germline. Affected: yes.
Comment: Not observed at significant frequency in large population cohorts (gnomAD); In silico analysis supports that this missense variant has a deleterious effect on protein structure/function; Has not been previously published as pathogenic or benign to our knowledge; This variant is associated with the following publications: (PMID: 28853079)

Literature cited by the submitters: PubMed 10567493 (cited by Labcorp Genetics (formerly Invitae), Labcorp).

NM_000551.4(VHL):c.262T>G (p.Trp88Gly)

Gene: VHL (von Hippel-Lindau tumor suppressor; plus strand). Cytogenetic location: 3p25.3.
Variant type: single nucleotide variant.
Coding change: c.262T>G on transcript NM_000551.4 (MANE Select); coding-DNA position 262, T replaced by G.
Protein change: p.Trp88Gly; replaces tryptophan 88 with glycine.
Molecular consequence: missense variant. On other transcripts: non-coding transcript variant (1).
Genome position (GRCh38, 1-based): chr3:10,142,109, T>G. VCF-style: chr3-10142109-T-G. GRCh37 (hg19) VCF-style: chr3-10183793-T-G.
Other names: c.262T>G, p.Trp88Gly (NM_198156.3, NM_001354723.2); short protein forms W88G.
Identifiers: ClinVar variation 3600944 (VCV003600944.2).
Genomic context (GRCh38, chr3:10,142,109, plus strand): 5'-TCGCGCGAGCCCTCCCAGGTCATCTTCTGCAATCGCAGTCCGCGCGTCGTGCTGCCCGTA[T>G]GGCTCAACTTCGACGGCGAGCCGCAGCCCTACCCAACGCTGCCGCCTGGCACGGGCCGCC-3'
Protein context (NP_000542.1, residues 78-98): NRSPRVVLPV[Trp88Gly]LNFDGEPQPY